The following is an entry in ClinVar:

NM_006922.4(SCN3A):c.585_586del (p.Phe195fs)

Gene: SCN3A (sodium voltage-gated channel alpha subunit 3; minus strand). Cytogenetic location: 2q24.3.
Variant type: Deletion.
Coding change: c.585_586del on transcript NM_006922.4 (MANE Select); coding-DNA positions 585 to 586, 2 bases deleted (CA; older notation c.585_586delCA).
Protein change: p.Phe195fs; shifts the reading frame from phenylalanine 195.
Molecular consequence: frameshift variant.
Genome position (GRCh38, 1-based): chr2:165,164,408-165,164,409, TG deleted on the plus strand (CA on the coding strand, the reverse complement: SCN3A is on the minus strand). VCF-style (leftmost placement, unchanged base first): chr2-165164407-CTG-C. GRCh37 (hg19) VCF-style: chr2-166020917-CTG-C.
Other names: NM_006922.4(SCN3A):c.585_586del; p.Phe195fs; c.585_586del, p.Phe195fs (NM_001081676.2, NM_001081677.2); short protein forms F195fs.
Identifiers: ClinVar variation 1365761 (VCV001365761.9), dbSNP rs2105895111, ClinGen allele CA2573133615.

ClinVar aggregate classification (germline): Pathogenic. Review status: reviewed by expert panel (3 of 4 stars). 2 submissions from 2 submitters: Pathogenic (1). 1 of the submissions does not count toward it. Last evaluated 2024-05-07.

Conditions:
Developmental and epileptic encephalopathy. Identifiers: MedGen C5779964, MONDO:0100620.

Submissions (2):

ClinGen Epilepsy Sodium Channel Variant Curation Expert Panel, Clingen
Classification: Pathogenic for Developmental and epileptic encephalopathy. Last evaluated: 2024-05-07. Review status: reviewed by expert panel. Criteria: ClinGen EpilepsySCN ACMG Specifications SCN3A V1.0.0. Collection method: curation. Allele origin: germline. Inheritance: Autosomal dominant inheritance.
Comment: The c.585_586del (p.Phe195LeufsTer?) variant in SCN3A frameshift variant predicted to cause nonsense mediated decay in a gene in which loss-of-function is an established disease mechanism (PVS1). The variant has been identified as de novo with confirmed parental relationships in at least one individual with a consistent phenotype (PS2_Moderate, internal data (Invitae)). The variant is absent from the population database, gnomAD v2.1.1. (PM2_Supporting). In summary, this variant has been classified as pathogenic for autosomal dominant developmental and epileptic encephalopathy based on the ACMG/AMP criteria applied, as specified by the Epilepsy Sodium Channel VCEP: PVS1, PS2_Moderate, PM2_Supporting (version 1.0; approved 12/11/23).

Labcorp Genetics (formerly Invitae), Labcorp
Classification: Pathogenic. Last evaluated: 2021-03-09. Review status: criteria provided, single submitter. Criteria: Invitae Variant Classification Sherloc (09022015). Collection method: clinical testing. Allele origin: germline. Not counted in ClinVar's aggregate classification.
Comment: This variant has been observed in individual(s) with clinical features of SCN3A-related conditions (Invitae). In at least one individual the variant was observed to be de novo. For these reasons, this variant has been classified as Pathogenic. This sequence change creates a premature translational stop signal (p.Phe195Leufs*54) in the SCN3A gene. It is expected to result in an absent or disrupted protein product. However, the current clinical and genetic evidence is not sufficient to establish whether loss-of-function variants in SCN3A cause disease. This variant is not present in population databases (ExAC no frequency).